The following is an entry in ClinVar:

ClinVar aggregate classification (germline): Likely pathogenic. Review status: criteria provided, multiple submitters, no conflicts (2 of 4 stars). 2 submissions from 2 submitters: Likely pathogenic (2). Last evaluated 2025-06-20.

Conditions:
Xanthinuria type II. Also called: Xanthine dehydrogenase and aldehyde oxidase combined deficiency of; XDH and AOX dual deficiency. Identifiers: Orphanet 3467, Orphanet 93602, MedGen C1863688, MONDO:0011346, OMIM 603592.
Hereditary xanthinuria type 1 (XAN1). Identifiers: Orphanet 3467, Orphanet 93601, MedGen C0268118, MONDO:0010209, OMIM 278300.

Allele frequency attached by ClinVar (database versions not stated): TOPMed 0.00002; ExAC 0.00003; gnomAD exomes 0.00003; gnomAD 0.00004 and 0.00005; ESP Exome Variant Server 0.00008.
gnomAD v4.1: 58 of 1,614,074 alleles (0.0036%); highest among the groups gnomAD compares: African/African-American, 0.0053%; no homozygotes.

Submissions (2):

Labcorp Genetics (formerly Invitae), Labcorp
Classification: Likely pathogenic for Xanthinuria type II. Last evaluated: 2025-06-20. Review status: criteria provided, single submitter. Criteria: Invitae Variant Classification Sherloc (09022015). Collection method: clinical testing. Allele origin: germline.
Comment: This sequence change affects a donor splice site in intron 15 of the XDH gene. It is expected to disrupt RNA splicing. Variants that disrupt the donor or acceptor splice site typically lead to a loss of protein function (PMID: 16199547), and loss-of-function variants in XDH are known to be pathogenic (PMID: 9153281). This variant is present in population databases (rs376882470, gnomAD 0.008%). This variant has not been reported in the literature in individuals affected with XDH-related conditions. ClinVar contains an entry for this variant (Variation ID: 566280). Algorithms developed to predict the effect of sequence changes on RNA splicing suggest that this variant may disrupt the consensus splice site. In summary, the currently available evidence indicates that the variant is pathogenic, but additional data are needed to prove that conclusively. Therefore, this variant has been classified as Likely Pathogenic.

Fulgent Genetics
Classification: Likely pathogenic for Hereditary xanthinuria type 1. Last evaluated: 2024-03-07. Review status: criteria provided, single submitter. Criteria: ACMG Guidelines, 2015. Collection method: clinical testing. Allele origin: germline.

Literature cited by the submitters: PubMed 16199547 (cited by Labcorp Genetics (formerly Invitae), Labcorp); PubMed 9153281 (cited by Labcorp Genetics (formerly Invitae), Labcorp).

NM_000379.4(XDH):c.1602+1G>A

Gene: XDH (xanthine dehydrogenase; minus strand). Cytogenetic location: 2p23.1.
Variant type: single nucleotide variant.
Coding change: c.1602+1G>A on transcript NM_000379.4 (MANE Select); the canonical splice donor site of the intron after coding-DNA position 1602, G replaced by A.
Molecular consequence: splice donor variant.
Genome position (GRCh38, 1-based): chr2:31,375,379, C>T on the plus strand (G>A on the coding strand, the complement: XDH is on the minus strand). VCF-style: chr2-31375379-C-T. GRCh37 (hg19) VCF-style: chr2-31598245-C-T.
Identifiers: ClinVar variation 566280 (VCV000566280.8), dbSNP rs376882470, ClinGen allele CA1599185.